The following is an entry in ClinVar:

NM_001384140.1(PCDH15):c.1A>G (p.Met1Val)

Gene: PCDH15 (protocadherin related 15; minus strand). Cytogenetic location: 10q21.1.
Variant type: single nucleotide variant.
Coding change: c.1A>G on transcript NM_001384140.1 (MANE Select); coding-DNA position 1, A replaced by G.
Protein change: p.Met1Val; changes the start codon (methionine 1).
Molecular consequence: missense variant, initiator codon variant.
Genome position (GRCh38, 1-based): chr10:54,664,262, T>C on the plus strand (A>G on the coding strand, the complement: PCDH15 is on the minus strand). VCF-style: chr10-54664262-T-C. GRCh37 (hg19) VCF-style: chr10-56424022-T-C.
Other names: c.1A>G, p.Met1Val (NM_001142763.2, NM_001142764.2, NM_001142765.2 and 14 more transcripts); short protein forms M1V.
Identifiers: ClinVar variation 552490 (VCV000552490.12), dbSNP rs1040514625, ClinGen allele CA207620760.

ClinVar aggregate classification (germline): Conflicting classifications of pathogenicity. Review status: criteria provided, conflicting classifications (1 of 4 stars). 5 submissions from 5 submitters: Likely pathogenic (2); Uncertain significance (2). 1 of the submissions does not count toward it. Last evaluated 2025-01-05.

Conditions:
Usher syndrome type 1F (USH1F). Also called: USHER SYNDROME, TYPE IF. Identifiers: Orphanet 231169, Orphanet 886, MedGen C1865885, MONDO:0011186, OMIM 602083.
Autosomal recessive nonsyndromic hearing loss 23. Identifiers: Orphanet 90636, MedGen C1836027, MONDO:0012293, OMIM 609533.
Usher syndrome type 1D (USH1D). Also called: USHER SYNDROME, TYPE ID. Identifiers: Orphanet 231169, Orphanet 886, MedGen C1832845, MONDO:0010984, OMIM 601067.

Submissions (5):

Natera, Inc.
Classification: Likely pathogenic for Usher syndrome type 1F. Last evaluated: 2025-01-05. Review status: criteria provided, single submitter. Criteria: Natera Variant Classification Schema (03/2026). Collection method: clinical testing. Allele origin: germline.
Comment: The c.1A>G variant in PCDH15 is predicted to result in start loss due to disruption of the initiator methionine. This variant is expected to result in nonsense mediated decay, truncation, or a dysfunctional protein product. This variant is rare in the general population with a frequency below the threshold expected for the associated phenotype(s). Given the available evidence, this variant is classified as Likely Pathogenic.

Fulgent Genetics
Classification: Likely pathogenic for Usher syndrome type 1D; Usher syndrome type 1F; Autosomal recessive nonsyndromic hearing loss 23. Last evaluated: 2024-05-07. Review status: criteria provided, single submitter. Criteria: ACMG Guidelines, 2015. Collection method: clinical testing. Allele origin: germline.

Women's Health and Genetics/Laboratory Corporation of America, LabCorp
Classification: Uncertain significance. Last evaluated: 2024-05-05. Review status: criteria provided, single submitter. Criteria: LabCorp Variant Classification Summary - May 2015. Collection method: clinical testing. Allele origin: germline.
Comment: Variant summary: PCDH15 c.1A>G (p.Met1Val) alters the initiation codon and is predicted to result either in absence of the protein or truncation of the encoded protein due to translation initiation at a downstream codon. The next downstream inframe ATG codon is located at Methionine 60 of the protein sequence. The variant was absent in 247882 control chromosomes. To our knowledge, no occurrence of c.1A>G in individuals affected with Usher Syndrome Type 1F and no experimental evidence demonstrating its impact on protein function have been reported. ClinVar contains an entry for this variant (Variation ID: 552490). Based on the evidence outlined above, the variant was classified as uncertain significance.

Labcorp Genetics (formerly Invitae), Labcorp
Classification: Uncertain significance. Last evaluated: 2022-11-01. Review status: criteria provided, single submitter. Criteria: Invitae Variant Classification Sherloc (09022015). Collection method: clinical testing. Allele origin: germline.
Comment: This sequence change affects the initiator methionine of the PCDH15 mRNA. The next in-frame methionine is located at codon 60. This variant is not present in population databases (gnomAD no frequency). This variant has not been reported in the literature in individuals affected with PCDH15-related conditions. ClinVar contains an entry for this variant (Variation ID: 552490). In summary, the available evidence is currently insufficient to determine the role of this variant in disease. Therefore, it has been classified as a Variant of Uncertain Significance.

Counsyl
Classification: Likely pathogenic for Usher syndrome type 1F. Last evaluated: 2017-06-13. Review status: no assertion criteria provided. Collection method: clinical testing. Allele origin: unknown. Not counted in ClinVar's aggregate classification.